The following is an entry in ClinVar:

ClinVar aggregate classification (germline): Uncertain significance (1 of 4 stars; one submission).

Submission:

Labcorp Genetics (formerly Invitae), Labcorp
Classification: Uncertain significance. Last evaluated: 2024-12-26. Review status: criteria provided, single submitter. Criteria: Invitae Variant Classification Sherloc (09022015). Collection method: clinical testing. Allele origin: germline.
Comment: This sequence change replaces glutamine, which is neutral and polar, with lysine, which is basic and polar, at codon 1915 of the FBN3 protein (p.Gln1915Lys). This variant is not present in population databases (gnomAD no frequency). This variant has not been reported in the literature in individuals affected with FBN3-related conditions. Invitae Evidence Modeling of protein sequence and biophysical properties (such as structural, functional, and spatial information, amino acid conservation, physicochemical variation, residue mobility, and thermodynamic stability) indicates that this missense variant is not expected to disrupt FBN3 protein function with a negative predictive value of 80%. In summary, the available evidence is currently insufficient to determine the role of this variant in disease. Therefore, it has been classified as a Variant of Uncertain Significance.

NM_032447.5(FBN3):c.5743C>A (p.Gln1915Lys)

Gene: FBN3 (fibrillin 3; minus strand). Cytogenetic location: 19p13.2.
Variant type: single nucleotide variant.
Coding change: c.5743C>A on transcript NM_032447.5 (MANE Select); coding-DNA position 5743, C replaced by A.
Protein change: p.Gln1915Lys; replaces glutamine 1915 with lysine.
Molecular consequence: missense variant.
Genome position (GRCh38, 1-based): chr19:8,095,417, G>T on the plus strand (C>A on the coding strand, the complement: FBN3 is on the minus strand). VCF-style: chr19-8095417-G-T. GRCh37 (hg19) VCF-style: chr19-8160301-G-T.
Other names: c.5743C>A, p.Gln1915Lys (NM_001321431.2); short protein forms Q1915K.
Identifiers: ClinVar variation 3707438 (VCV003707438.2).